The following is an entry in ClinVar:

ClinVar aggregate classification (germline): Likely benign (1 of 4 stars; one submission).

Submission:

CeGaT Center for Human Genetics Tuebingen
Classification: Likely benign. Last evaluated: 2022-11-01. Review status: criteria provided, single submitter. Criteria: CeGaT Center For Human Genetics Tuebingen Variant Classification Criteria Version 2. Collection method: clinical testing. Allele origin: germline. Affected: yes. Observed: 1 variant allele.
Comment: BACH2: PM2:Supporting, BP4, BP7

NM_021813.4(BACH2):c.909A>G (p.Arg303=)

Gene: BACH2 (BACH transcriptional regulator 2; minus strand). Cytogenetic location: 6q15.
Variant type: single nucleotide variant.
Coding change: c.909A>G on transcript NM_021813.4 (MANE Select); coding-DNA position 909, A replaced by G.
Protein change: p.Arg303=; no amino-acid change (arginine 303 retained).
Molecular consequence: synonymous variant.
Genome position (GRCh38, 1-based): chr6:89,951,197, T>C on the plus strand (A>G on the coding strand, the complement: BACH2 is on the minus strand). VCF-style: chr6-89951197-T-C. GRCh37 (hg19) VCF-style: chr6-90660916-T-C.
Other names: c.909A>G, p.Arg303= (NM_001170794.2).
Identifiers: ClinVar variation 2656773 (VCV002656773.24), dbSNP rs2533566877, ClinGen allele CA451357098.